The following is an entry in ClinVar:

NM_000404.4(GLB1):c.433_437del (p.Ile145fs)

Gene: GLB1 (galactosidase beta 1; minus strand). Cytogenetic location: 3p22.3.
Variant type: Deletion.
Coding change: c.433_437del on transcript NM_000404.4 (MANE Select); coding-DNA positions 433 to 437, 5 bases deleted (ATTCT; older notation c.433_437delATTCT).
Protein change: p.Ile145fs; shifts the reading frame from isoleucine 145.
Molecular consequence: frameshift variant. On other transcripts: intron variant (1).
Genome position (GRCh38, 1-based): chr3:33,068,250-33,068,254, AGAAT deleted on the plus strand (ATTCT on the coding strand, the reverse complement: GLB1 is on the minus strand); deleting any 5 consecutive bases within chr3:33,068,250-33,068,257 gives the same sequence; the c. name uses the placement nearest the transcript's 3' end. VCF-style (leftmost placement, unchanged base first): chr3-33068249-AAGAAT-A. GRCh37 (hg19) VCF-style: chr3-33109741-AAGAAT-A.
Other names: c.343_347del, p.Ile115fs (NM_001079811.3); c.577_581del, p.Ile193fs (NM_001317040.2); c.433_437del, p.Ile145fs (NM_001393580.1); c.246-2697_246-2693del (NM_001135602.3); c.433_437delATTCT (NM_000404.3); short protein forms I115fs, I145fs, I193fs.
Identifiers: ClinVar variation 550513 (VCV000550513.8), dbSNP rs1553612145, ClinGen allele CA658822677.

ClinVar aggregate classification (germline): Pathogenic/Likely pathogenic. Review status: criteria provided, multiple submitters, no conflicts (2 of 4 stars). 3 submissions from 3 submitters: Pathogenic (1); Likely pathogenic (1). 1 of the submissions does not count toward it. Last evaluated 2024-03-27.

Conditions:
GM1 gangliosidosis type 3. Also called: GANGLIOSIDOSIS, GENERALIZED GM1, ADULT TYPE; GANGLIOSIDOSIS, GENERALIZED GM1, CHRONIC TYPE; GANGLIOSIDOSIS, GENERALIZED GM1, TYPE III; GM1-GANGLIOSIDOSIS, TYPE III; Beta-galactosidase deficiency; Adult GM1 gangliosidosis. Identifiers: Orphanet 79257, MedGen C0268273, MONDO:0009262, OMIM 230650.
GM1 gangliosidosis type 2. Also called: GANGLIOSIDOSIS, GENERALIZED GM1, JUVENILE TYPE; GANGLIOSIDOSIS, GENERALIZED GM1, TYPE II; GM1-GANGLIOSIDOSIS, TYPE II; Juvenile GM>1< gangliosidosis; Gangliosidosis, Generalized GM1, Type 2. Identifiers: Orphanet 354, Orphanet 79256, MedGen C0268272, MONDO:0009261, OMIM 230600.
Infantile GM1 gangliosidosis. Also called: GM1 gangliosidosis type 1; GM1-gangliosidosis, type I; Gangliosidosis, generalized GM1, infantile form; GLB1 deficiency; Gangliosidosis, Generalized GM1, Type 1. Identifiers: Orphanet 354, Orphanet 79255, MedGen C0268271, MONDO:0009260, OMIM 230500.
Mucopolysaccharidosis, MPS-IV-B (MPS4B). Also called: Mucopolysaccharidosis type 4B; Mucopolysaccharidosis Type IVB (Morquio B Disease); MORQUIO SYNDROME B; Mucopolysaccharidosis type IVB (Morquio); MPS IVB; Mucopolysaccharidosis type IV B. Identifiers: Orphanet 309310, Orphanet 582, MedGen C0086652, MONDO:0009660, OMIM 253010.
GM1 gangliosidosis. Identifiers: Orphanet 354, MedGen C0085131, MONDO:0018149.

Submissions (3):

Natera, Inc.
Classification: Likely pathogenic for Mucopolysaccharidosis, MPS-IV-B. Last evaluated: 2024-03-27. Review status: criteria provided, single submitter. Criteria: Natera Variant Classification Schema (03/2026). Collection method: clinical testing. Allele origin: germline.
Comment: The c.433_437delATTCT variant in GLB1 is a frameshift variant predicted to shift the reading frame beginning at codon 145 and leads to a stop codon 40 codons downstream. This variant is expected to result in nonsense mediated decay, truncation, or a dysfunctional protein product. This variant is rare in the general population with a frequency below the threshold expected for the associated phenotype(s). Given the available evidence, this variant is classified as Likely Pathogenic.

Labcorp Genetics (formerly Invitae), Labcorp
Classification: Pathogenic for Mucopolysaccharidosis, MPS-IV-B; GM1 gangliosidosis. Last evaluated: 2023-11-28. Review status: criteria provided, single submitter. Criteria: Invitae Variant Classification Sherloc (09022015). Collection method: clinical testing. Allele origin: germline.
Comment: This sequence change creates a premature translational stop signal (p.Ile145Serfs*40) in the GLB1 gene. It is expected to result in an absent or disrupted protein product. Loss-of-function variants in GLB1 are known to be pathogenic (PMID: 18524657). This variant is not present in population databases (gnomAD no frequency). This variant has not been reported in the literature in individuals affected with GLB1-related conditions. ClinVar contains an entry for this variant (Variation ID: 550513). For these reasons, this variant has been classified as Pathogenic.

Counsyl
Classification: Likely pathogenic for Infantile GM1 gangliosidosis; GM1 gangliosidosis type 2; GM1 gangliosidosis type 3; Mucopolysaccharidosis, MPS-IV-B. Last evaluated: 2017-01-26. Review status: no assertion criteria provided. Collection method: clinical testing. Allele origin: unknown. Not counted in ClinVar's aggregate classification.

Literature cited by the submitters: PubMed 18524657 (cited by Labcorp Genetics (formerly Invitae), Labcorp).